The following is an entry in ClinVar:

NM_001031679.3(MSRB3):c.-118del

Gene: MSRB3 (methionine sulfoxide reductase B3; plus strand). Cytogenetic location: 12q14.3.
Variant type: Deletion.
Coding change: c.-118del on transcript NM_001031679.3 (MANE Select); 118 bases upstream of the start codon, one base deleted (C; older notation c.-118delC).
Molecular consequence: 5 prime UTR variant. On other transcripts: frameshift variant (1).
Genome position (GRCh38, 1-based): chr12:65,278,799, C deleted; the last of 5 consecutive C bases (chr12:65,278,795-65,278,799); deleting any one gives the same sequence. VCF-style (leftmost placement, unchanged base first): chr12-65278794-GC-G. GRCh37 (hg19) VCF-style: chr12-65672574-GC-G.
Other names: c.-282del (NM_001193460.2); c.31del, p.Leu11fs (NM_198080.4); short protein forms L11fs.
Identifiers: ClinVar variation 432258 (VCV000432258.15), dbSNP rs574256598, ClinGen allele CA6671324.

ClinVar aggregate classification (germline): Conflicting classifications of pathogenicity. Review status: criteria provided, conflicting classifications (1 of 4 stars). 4 submissions from 4 submitters: Uncertain significance (1); Likely benign (3). Last evaluated 2026-06-10.

Conditions:
MSRB3-related disorder. Also called: MSRB3-related condition.

Submissions (4):

PreventionGenetics, part of Exact Sciences
Classification: Likely benign for MSRB3-related condition. Last evaluated: 2026-06-10. Review status: criteria provided, single submitter. Criteria: ACMG Guidelines, 2015. Collection method: clinical testing. Allele origin: germline.
Comment: This variant is classified as likely benign based on ACMG/AMP sequence variant interpretation guidelines (Richards et al. 2015 PMID: 25741868, with internal and published modifications).

Labcorp Genetics (formerly Invitae), Labcorp
Classification: Likely benign. Last evaluated: 2025-09-03. Review status: criteria provided, single submitter. Criteria: Invitae Variant Classification Sherloc (09022015). Collection method: clinical testing. Allele origin: germline.

GeneDx
Classification: Uncertain significance. Last evaluated: 2017-06-05. Review status: criteria provided, single submitter. Criteria: GeneDx Variant Classification (06012015). Collection method: clinical testing. Allele origin: germline. Affected: yes.
Comment: The c.31delC variant in the MSRB3 gene has not been reported previously as a pathogenic variant nor as a benign variant, to our knowledge. The c.31delC variant causes a frameshift starting with codon Leucine 11, changes this amino acid to a Serine residue, and creates a premature Stop codon at position 40 of the new reading frame, denoted p.Leu11SerfsX40. This variant is predicted to cause loss of normal protein function either through protein truncation or nonsense-mediated mRNA decay. The c.31delC variant is not observed in large population cohorts (Lek et al., 2016; 1000 Genomes Consortium et al., 2015; Exome Variant Server). We interpret c.31delC as a variant of uncertain significance.

Eurofins Ntd Llc (ga)
Classification: Likely benign. Last evaluated: 2016-05-04. Review status: criteria provided, single submitter. Criteria: EGL Classification Definitions 2015. Collection method: clinical testing. Allele origin: germline. Observed: 1 variant allele, 1 heterozygote.